The following is an entry in ClinVar:

NM_003072.5(SMARCA4):c.2683C>T (p.Gln895Ter)

Gene: SMARCA4 (SWI/SNF related BAF chromatin remodeling complex subunit ATPase 4; plus strand). Cytogenetic location: 19p13.2.
Variant type: single nucleotide variant.
Coding change: c.2683C>T on transcript NM_003072.5 (MANE Select); coding-DNA position 2683, C replaced by T.
Protein change: p.Gln895Ter; replaces glutamine 895 with a stop codon.
Molecular consequence: nonsense. On other transcripts: non-coding transcript variant (1).
Genome position (GRCh38, 1-based): chr19:11,021,791, C>T. VCF-style: chr19-11021791-C-T. GRCh37 (hg19) VCF-style: chr19-11132467-C-T.
Other names: c.2683C>T, p.Gln895Ter (NM_001128844.3, NM_001128845.2, NM_001128846.2 and 5 more transcripts); short protein forms Q895*.
Identifiers: ClinVar variation 1698824 (VCV001698824.2), dbSNP rs2146417384, ClinGen allele CA404055987.

ClinVar aggregate classification (germline): Pathogenic (1 of 4 stars; one submission).

Conditions:
Intellectual disability, autosomal dominant 16 (CSS4). Also called: COFFIN-SIRIS SYNDROME 4. Identifiers: Orphanet 1465, MedGen C3553249, MONDO:0013821, OMIM 614609.

Submission:

Genetics and Molecular Pathology, SA Pathology
Classification: Pathogenic for Intellectual disability, autosomal dominant 16. Last evaluated: 2021-09-02. Review status: criteria provided, single submitter. Criteria: ACMG Guidelines, 2015. Collection method: clinical testing. Allele origin: germline. Inheritance: Autosomal dominant inheritance. Affected: yes.
Comment: The SMARCA4 c.2683C>T variant is classified as PATHOGENIC (PM2, PS2, PVS1) The SMARCA4 c.2683C>T variant is a single nucleotide change which is predicted to result in premature termination of the protein product at codon 895 (PVS1). This variant has not been reported in dbSNP and is absent from population databases (PM2). It has not been reported in the ClinVar or HGMD disease databases.